The following is an entry in ClinVar:

ClinVar aggregate classification (germline): Pathogenic (1 of 4 stars; one submission).

Conditions:
Familial cancer of breast. Also called: Hereditary breast cancer; hereditary breast carcinoma; BREAST CANCER, FAMILIAL. Identifiers: Orphanet 227535, MedGen C0346153, MONDO:0016419, OMIM 114480. Disease mechanism: loss of function.
Fanconi anemia complementation group J. Also called: BRIP1-Related Fanconi Anemia. Identifiers: Orphanet 84, MedGen C1836860, MONDO:0012187, OMIM 609054.

Submission:

Labcorp Genetics (formerly Invitae), Labcorp
Classification: Pathogenic for Familial cancer of breast; Fanconi anemia complementation group J. Last evaluated: 2022-05-27. Review status: criteria provided, single submitter. Criteria: Invitae Variant Classification Sherloc (09022015). Collection method: clinical testing. Allele origin: germline.
Comment: For these reasons, this variant has been classified as Pathogenic. ClinVar contains an entry for this variant (Variation ID: 407873). This variant has not been reported in the literature in individuals affected with BRIP1-related conditions. This variant is not present in population databases (gnomAD no frequency). This sequence change creates a premature translational stop signal (p.Pro211Leufs*63) in the BRIP1 gene. It is expected to result in an absent or disrupted protein product. Loss-of-function variants in BRIP1 are known to be pathogenic (PMID: 16116423, 17033622, 21964575).

Literature cited by the submitters: PubMed 16116423; PubMed 17033622; PubMed 21964575.

NM_032043.3(BRIP1):c.632del (p.Pro211fs)

Gene: BRIP1 (BRCA1 interacting DNA helicase 1; minus strand). Cytogenetic location: 17q23.2.
Variant type: Deletion.
Coding change: c.632del on transcript NM_032043.3 (MANE Select); coding-DNA position 632, one base deleted (C; older notation c.632delC).
Protein change: p.Pro211fs; shifts the reading frame from proline 211.
Molecular consequence: frameshift variant.
Genome position (GRCh38, 1-based): chr17:61,808,753, G deleted on the plus strand (C on the coding strand, the reverse complement: BRIP1 is on the minus strand); the first of 5 consecutive G bases (chr17:61,808,753-61,808,757); deleting any one gives the same sequence. VCF-style (leftmost placement, unchanged base first): chr17-61808752-AG-A. GRCh37 (hg19) VCF-style: chr17-59886113-AG-A.
Other names: c.632delC (NM_032043.2); short protein forms P211fs.
Identifiers: ClinVar variation 407873 (VCV000407873.7), dbSNP rs1060501779, ClinGen allele CA16615824.